The following is an entry in ClinVar:

ClinVar aggregate classification (germline): Uncertain significance (1 of 4 stars; one submission).

Conditions:
Congenital disorder of deglycosylation (CDDG). Identifiers: MedGen C3808991, MONDO:0031376.

Allele frequency attached by ClinVar (database versions not stated): gnomAD exomes below 0.00001 and 0.00001; ExAC 0.00001.
gnomAD v4.1: 13 of 1,547,416 alleles (0.00084%); highest among the groups gnomAD compares: Non-Finnish European, 0.0011%; no homozygotes.

Submission:

Labcorp Genetics (formerly Invitae), Labcorp
Classification: Uncertain significance for Congenital disorder of deglycosylation. Last evaluated: 2021-12-08. Review status: criteria provided, single submitter. Criteria: Invitae Variant Classification Sherloc (09022015). Collection method: clinical testing. Allele origin: germline.
Comment: In summary, the available evidence is currently insufficient to determine the role of this variant in disease. Therefore, it has been classified as a Variant of Uncertain Significance. This sequence change replaces lysine, which is basic and polar, with glutamic acid, which is acidic and polar, at codon 523 of the NGLY1 protein (p.Lys523Glu). The frequency data for this variant in the population databases is considered unreliable, as metrics indicate poor data quality at this position in the gnomAD database. This variant has not been reported in the literature in individuals affected with NGLY1-related conditions. Algorithms developed to predict the effect of missense changes on protein structure and function (SIFT, PolyPhen-2, Align-GVGD) all suggest that this variant is likely to be tolerated.

NM_018297.4(NGLY1):c.1567A>G (p.Lys523Glu)

Gene: NGLY1 (N-glycanase 1; minus strand). Cytogenetic location: 3p24.2.
Variant type: single nucleotide variant.
Coding change: c.1567A>G on transcript NM_018297.4 (MANE Select); coding-DNA position 1567, A replaced by G.
Protein change: p.Lys523Glu; replaces lysine 523 with glutamic acid.
Molecular consequence: missense variant.
Genome position (GRCh38, 1-based): chr3:25,729,177, T>C on the plus strand (A>G on the coding strand, the complement: NGLY1 is on the minus strand). VCF-style: chr3-25729177-T-C. GRCh37 (hg19) VCF-style: chr3-25770668-T-C.
Other names: c.1513A>G, p.Lys505Glu (NM_001145293.2); c.1441A>G, p.Lys481Glu (NM_001145294.2); c.1567A>G, p.Lys523Glu (NM_001145295.2); short protein forms K481E, K505E, K523E.
Identifiers: ClinVar variation 1396584 (VCV001396584.6), dbSNP rs763560541, ClinGen allele CA2289123.